The following is an entry in ClinVar:

ClinVar aggregate classification (germline): Uncertain significance (1 of 4 stars; one submission).

gnomAD v4.1: 2 of 1,613,430 alleles (0.00012%); highest among the groups gnomAD compares: Non-Finnish European, 0.00017%; no homozygotes.

Submission:

GeneDx
Classification: Uncertain significance. Last evaluated: 2025-05-22. Review status: criteria provided, single submitter. Criteria: GeneDx Variant Classification Process June 2021. Collection method: clinical testing. Allele origin: germline.
Comment: Not observed at significant frequency in large population cohorts (gnomAD); In silico analysis supports that this missense variant has a deleterious effect on protein structure/function; Has not been previously published as pathogenic or benign to our knowledge

NM_001080517.3(SETD5):c.364C>T (p.Arg122Trp)

Gene: SETD5 (SET domain containing 5; plus strand). Cytogenetic location: 3p25.3.
Variant type: single nucleotide variant.
Coding change: c.364C>T on transcript NM_001080517.3 (MANE Select); coding-DNA position 364, C replaced by T.
Protein change: p.Arg122Trp; replaces arginine 122 with tryptophan.
Molecular consequence: missense variant.
Genome position (GRCh38, 1-based): chr3:9,434,858, C>T. VCF-style: chr3-9434858-C-T. GRCh37 (hg19) VCF-style: chr3-9476542-C-T.
Other names: c.31C>T, p.Arg11Trp (NM_001292043.2, NM_001349451.2); short protein forms R11W, R122W.
Identifiers: ClinVar variation 3381455 (VCV003381455.2).